The following is an entry in ClinVar:

NM_004371.4(COPA):c.3368C>T (p.Thr1123Ile)

Gene: COPA (coat protein complex I subunit alpha; minus strand). Cytogenetic location: 1q23.2.
Variant type: single nucleotide variant.
Coding change: c.3368C>T on transcript NM_004371.4 (MANE Select); coding-DNA position 3368, C replaced by T.
Protein change: p.Thr1123Ile; replaces threonine 1123 with isoleucine.
Molecular consequence: missense variant.
Genome position (GRCh38, 1-based): chr1:160,291,387, G>A on the plus strand (C>T on the coding strand, the complement: COPA is on the minus strand). VCF-style: chr1-160291387-G-A. GRCh37 (hg19) VCF-style: chr1-160261177-G-A.
Other names: c.3395C>T, p.Thr1132Ile (NM_001098398.2); short protein forms T1123I, T1132I.
Identifiers: ClinVar variation 1804353 (VCV001804353.2), dbSNP rs1571146978, ClinGen allele CA343270866.

ClinVar aggregate classification (germline): Uncertain significance (1 of 4 stars; one submission).

Allele frequency attached by ClinVar (database versions not stated): gnomAD exomes below 0.00001; TOPMed below 0.00001.
gnomAD v4.1: 1 of 1,614,090 alleles (0.000062%); highest among the groups gnomAD compares: Non-Finnish European, 0.000085%; no homozygotes.

Submission:

GeneDx
Classification: Uncertain significance. Last evaluated: 2024-08-14. Review status: criteria provided, single submitter. Criteria: GeneDx Variant Classification Process June 2021. Collection method: clinical testing. Allele origin: germline.
Comment: Not observed at significant frequency in large population cohorts (gnomAD); In silico analysis supports that this missense variant has a deleterious effect on protein structure/function; Has not been previously published as pathogenic or benign to our knowledge